The following is an entry in ClinVar:

ClinVar aggregate classification (germline): Uncertain significance (1 of 4 stars; one submission).

Conditions:
Bardet-Biedl syndrome (BBS). Identifiers: Orphanet 110, MedGen C0752166, MONDO:0015229.

gnomAD v4.1: 2 of 1,614,170 alleles (0.00012%); highest among the groups gnomAD compares: Non-Finnish European, 0.00017%; no homozygotes.

Submission:

Labcorp Genetics (formerly Invitae), Labcorp
Classification: Uncertain significance for Bardet-Biedl syndrome. Last evaluated: 2022-06-26. Review status: criteria provided, single submitter. Criteria: Invitae Variant Classification Sherloc (09022015). Collection method: clinical testing. Allele origin: germline.
Comment: In summary, the available evidence is currently insufficient to determine the role of this variant in disease. Therefore, it has been classified as a Variant of Uncertain Significance. Algorithms developed to predict the effect of missense changes on protein structure and function are either unavailable or do not agree on the potential impact of this missense change (SIFT: "Deleterious"; PolyPhen-2: "Probably Damaging"; Align-GVGD: "Class C0"). This variant has not been reported in the literature in individuals affected with BBS5-related conditions. This variant is present in population databases (rs373396081, gnomAD 0.0009%). This sequence change replaces tryptophan, which is neutral and slightly polar, with cysteine, which is neutral and slightly polar, at codon 8 of the BBS5 protein (p.Trp8Cys).

NM_152384.3(BBS5):c.24G>C (p.Trp8Cys)

Genes: BBS5 (Bardet-Biedl syndrome 5; plus strand), LOC129935068 (ATAC-STARR-seq lymphoblastoid active region 16738; plus strand). Cytogenetic location: 2q31.1.
Variant type: single nucleotide variant.
Coding change: c.24G>C on transcript NM_152384.3 (MANE Select); coding-DNA position 24, G replaced by C.
Protein change: p.Trp8Cys; replaces tryptophan 8 with cysteine.
Molecular consequence: missense variant.
Genome position (GRCh38, 1-based): chr2:169,479,577, G>C. VCF-style: chr2-169479577-G-C. GRCh37 (hg19) VCF-style: chr2-170336087-G-C.
Other names: short protein forms W8C.
Identifiers: ClinVar variation 2011107 (VCV002011107.4), dbSNP rs373396081, ClinGen allele CA1956072.
Genomic context (GRCh38, chr2:169,479,577, plus strand): 5'-CGGCTGTGGAGAGATCCTGCCACGGGCCTTGTTCACCATGTCGGTGCTGGATGCGCTTTG[G>C]GAGGATCGGGATGTCCGTTTCGACCTGTCCGCGCAGTGAGTTTCCAAGATTCCCGAGGGA-3'
Protein context (NP_689597.1, residues 1-18): MSVLDAL[Trp8Cys]EDRDVRFDLS